The following is an entry in ClinVar:

ClinVar aggregate classification (germline): Likely benign (1 of 4 stars; one submission).

Allele frequency attached by ClinVar (database versions not stated): TOPMed 0.00002.
gnomAD v4.1: 14 of 1,614,034 alleles (0.00087%); highest among the groups gnomAD compares: East Asian, 0.0022%; no homozygotes.

Submission:

GeneDx
Classification: Likely benign. Last evaluated: 2016-06-10. Review status: criteria provided, single submitter. Criteria: GeneDx Variant Classification (06012015). Collection method: clinical testing. Allele origin: germline. Affected: yes.
Comment: This variant is considered likely benign or benign based on one or more of the following criteria: it is a conservative change, it occurs at a poorly conserved position in the protein, it is predicted to be benign by multiple in silico algorithms, and/or has population frequency not consistent with disease.

NM_005051.3(QARS1):c.549T>C (p.Ala183=)

Gene: QARS1 (glutaminyl-tRNA synthetase 1; minus strand). Cytogenetic location: 3p21.31.
Variant type: single nucleotide variant.
Coding change: c.549T>C on transcript NM_005051.3 (MANE Select); coding-DNA position 549, T replaced by C.
Protein change: p.Ala183=; no amino-acid change (alanine 183 retained).
Molecular consequence: synonymous variant. On other transcripts: non-coding transcript variant (1).
Genome position (GRCh38, 1-based): chr3:49,102,440, A>G on the plus strand (T>C on the coding strand, the complement: QARS1 is on the minus strand). VCF-style: chr3-49102440-A-G. GRCh37 (hg19) VCF-style: chr3-49139873-A-G.
Other names: c.516T>C, p.Ala172= (NM_001272073.2).
Identifiers: ClinVar variation 386802 (VCV000386802.1), dbSNP rs150572774, ClinGen allele CA2392114.
Genomic context (GRCh38, chr3:49,102,440, plus strand): 5'-ACCTCACCCTCAGGGACTCAGGGCCATGCCCATCCCTACCTTGAACTTCTTCTCCAGATC[A>G]GCCTCCAACTTGGGGCCCAGAAGGTGGAGGACCTGAGCAGAGACCAGAATCAGGCAGAGG-3'
Protein context (NP_005042.1, residues 173-193): VLHLLGPKLE[Ala183=]DLEKKFKVAK